The following is an entry in ClinVar:

ClinVar aggregate classification (germline): Uncertain significance (1 of 4 stars; one submission).

gnomAD v4.1: 1 of 1,549,350 alleles (0.000065%); highest among the groups gnomAD compares: African/African-American, 0.0014%; no homozygotes.

Submission:

GeneDx
Classification: Uncertain significance. Last evaluated: 2022-01-26. Review status: criteria provided, single submitter. Criteria: GeneDx Variant Classification Process June 2021. Collection method: clinical testing. Allele origin: germline. Affected: yes.
Comment: Not observed at significant frequency in large population cohorts (gnomAD); In silico analysis supports that this missense variant does not alter protein structure/function; Has not been previously published as pathogenic or benign to our knowledge

NM_001142864.4(PIEZO1):c.2776C>G (p.Leu926Val)

Genes: HSALR1 (HSP90AB1 associated lncRNA 1; plus strand), PIEZO1 (piezo type mechanosensitive ion channel component 1 (Er blood group); minus strand). Cytogenetic location: 16q24.3.
Variant type: single nucleotide variant.
Coding change: c.2776C>G on transcript NM_001142864.4 (MANE Select); coding-DNA position 2776, C replaced by G.
Protein change: p.Leu926Val; replaces leucine 926 with valine.
Molecular consequence: missense variant.
Genome position (GRCh38, 1-based): chr16:88,732,621, G>C on the plus strand (C>G on the coding strand, the complement: PIEZO1 is on the minus strand). VCF-style: chr16-88732621-G-C. GRCh37 (hg19) VCF-style: chr16-88799029-G-C.
Other names: short protein forms L926V.
Identifiers: ClinVar variation 1699812 (VCV001699812.2), dbSNP rs1319685835, ClinGen allele CA397110467.
Genomic context (GRCh38, chr16:88,732,621, plus strand): 5'-AGCCGGGTACTCGCCCGCCCAGCCGCCCACCAGCCCTTCAACTCACCTGGATGTAGCCCA[G>C]GTTGGGGAACCCTTTCCGCACCCCAAACCAGTTGGCAGGGTCCACGGGCCCCCGGTACAG-3'
Protein context (NP_001136336.2, residues 916-936): WFGVRKGFPN[Leu926Val]GYIQNHLQVL